The following is an entry in ClinVar:

NM_000158.4(GBE1):c.579G>A (p.Lys193=)

Gene: GBE1 (1,4-alpha-glucan branching enzyme 1; minus strand). Cytogenetic location: 3p12.2.
Variant type: single nucleotide variant.
Coding change: c.579G>A on transcript NM_000158.4 (MANE Select); coding-DNA position 579, G replaced by A.
Protein change: p.Lys193=; no amino-acid change (lysine 193 retained).
Molecular consequence: synonymous variant.
Genome position (GRCh38, 1-based): chr3:81,648,968, C>T on the plus strand (G>A on the coding strand, the complement: GBE1 is on the minus strand). VCF-style: chr3-81648968-C-T. GRCh37 (hg19) VCF-style: chr3-81698119-C-T.
Identifiers: ClinVar variation 255390 (VCV000255390.23), dbSNP rs17019144, ClinGen allele CA2499914.

ClinVar aggregate classification (germline): Benign. Review status: criteria provided, multiple submitters, no conflicts (2 of 4 stars). 11 submissions from 10 submitters: Benign (7). 4 of the submissions do not count toward it. Last evaluated 2026-02-04.

Conditions:
Glycogen storage disease, type IV (GSD4). Also called: Glycogen storage disease due to glycogen branching enzyme deficiency; GBE1 DEFICIENCY; GLYCOGEN BRANCHING ENZYME DEFICIENCY; GLYCOGENOSIS IV; GSD IV; AMYLOPECTINOSIS. Identifiers: Orphanet 367, MedGen C0017923, MONDO:0009292, OMIM 232500.
Glycogen storage disease IV, classic hepatic. Also called: GSD IV, CLASSIC HEPATIC. Identifiers: MedGen C1856301.
Adult polyglucosan body disease (APBN). Also called: POLYGLUCOSAN BODY DISEASE, ADULT FORM; GBE1-Adult Polyglucosan Body Disease. Identifiers: Orphanet 206583, MedGen C1849722, MONDO:0009897, OMIM 263570.

Allele frequency attached by ClinVar (database versions not stated): gnomAD exomes 0.03632 and 0.04668; ExAC 0.05973; ESP Exome Variant Server 0.07956; gnomAD 0.08979 and 0.09257; TOPMed 0.09967; 1000 Genomes Project 0.10982; 1000 Genomes Project 30x 0.11430.
gnomAD v4.1: 66,235 of 1,584,236 alleles (4.2%); highest among the groups gnomAD compares: African/African-American, 23%; 3,145 homozygotes.

Submissions (11):

Labcorp Genetics (formerly Invitae), Labcorp
Classification: Benign for Glycogen storage disease, type IV; Glycogen storage disease IV, classic hepatic. Last evaluated: 2026-02-04. Review status: criteria provided, single submitter. Criteria: Invitae Variant Classification Sherloc (09022015). Collection method: clinical testing. Allele origin: germline.

Blueprint Genetics
Classification: Benign. Last evaluated: 2024-11-26. Review status: criteria provided, single submitter. Criteria: ACMG Guidelines, 2015. Collection method: clinical testing. Allele origin: germline.

Illumina Laboratory Services, Illumina
Classification: Benign for Glycogen storage disease, type IV. Last evaluated: 2018-01-13. Review status: criteria provided, single submitter. Criteria: ICSL Variant Classification Criteria 13 December 2019. Collection method: clinical testing. Allele origin: germline.
Comment: This variant was observed in the ICSL laboratory as part of a predisposition screen in an ostensibly healthy population. It had not been previously curated by ICSL or reported in the Human Gene Mutation Database (HGMD: prior to June 1st, 2018), and was therefore a candidate for classification through an automated scoring system. Utilizing variant allele frequency, disease prevalence and penetrance estimates, and inheritance mode, an automated score was calculated to assess if this variant is too frequent to cause the disease. Based on the score and internal cut-off values, a variant classified as benign is not then subjected to further curation. The score for this variant resulted in a classification of benign for this disease.

Illumina Laboratory Services, Illumina
Classification: Benign for Adult polyglucosan body disease. Last evaluated: 2018-01-13. Review status: criteria provided, single submitter. Criteria: ICSL Variant Classification Criteria 13 December 2019. Collection method: clinical testing. Allele origin: germline.
Comment: the same text as in the submission from Illumina Laboratory Services, Illumina above.

GeneDx
Classification: Benign. Last evaluated: 2015-12-17. Review status: criteria provided, single submitter. Criteria: GeneDx Variant Classification (06012015). Collection method: clinical testing. Allele origin: germline. Affected: yes.
Comment: This variant is considered likely benign or benign based on one or more of the following criteria: it is a conservative change, it occurs at a poorly conserved position in the protein, it is predicted to be benign by multiple in silico algorithms, and/or has population frequency not consistent with disease.

Breakthrough Genomics
Classification: Benign. Review status: criteria provided, single submitter. Criteria: ACMG Guidelines, 2015. Collection method: not provided. Allele origin: germline. Inheritance: Autosomal recessive inheritance. Affected: yes.

PreventionGenetics, part of Exact Sciences
Classification: Benign. Review status: criteria provided, single submitter. Criteria: ACMG Guidelines, 2015. Collection method: clinical testing. Allele origin: germline.

Natera, Inc.
Classification: Benign for Glycogen storage disease type IV. Last evaluated: 2020-09-16. Review status: no assertion criteria provided. Collection method: clinical testing. Allele origin: germline. Not counted in ClinVar's aggregate classification.

Mayo Clinic Laboratories, Mayo Clinic
Classification: Benign. Last evaluated: 2015-10-23. Review status: no assertion criteria provided. Collection method: clinical testing. Allele origin: unknown. Not counted in ClinVar's aggregate classification.

Clinical Genetics, Academic Medical Center
Classification: Benign. Review status: no assertion criteria provided. Collection method: clinical testing. Allele origin: germline. Affected: yes. Study: VKGL Data-share Consensus. Not counted in ClinVar's aggregate classification.

Joint Genome Diagnostic Labs from Nijmegen and Maastricht, Radboudumc and MUMC+
Classification: Benign. Review status: no assertion criteria provided. Collection method: clinical testing. Allele origin: germline. Affected: yes. Study: VKGL Data-share Consensus. Not counted in ClinVar's aggregate classification.